The following is an entry in ClinVar:

ClinVar aggregate classification (germline): Conflicting classifications of pathogenicity. Review status: criteria provided, conflicting classifications (1 of 4 stars). 7 submissions from 7 submitters: Uncertain significance (6); Likely benign (1). Last evaluated 2026-01-26.

Conditions:
Gastric cancer. Also called: Stomach cancer; Malignant tumor of stomach. Identifiers: MedGen C0024623, MeSH D013274, MONDO:0001056, OMIM 613659, HP:0012126.
Familial adenomatous polyposis 2. Also called: MYH-associated polyposis; MUTYH Polyposis; COLORECTAL ADENOMATOUS POLYPOSIS, AUTOSOMAL RECESSIVE; ADENOMAS, MULTIPLE COLORECTAL, AUTOSOMAL RECESSIVE; FAP type 2; MUTYH-associated polyposis. Identifiers: Orphanet 220460, Orphanet 247798, MedGen C3272841, MONDO:0012041, OMIM 608456.
Hereditary cancer-predisposing syndrome. Also called: Neoplastic Syndromes, Hereditary; Hereditary neoplastic syndrome; Hereditary Cancer Syndrome; Tumor predisposition. Identifiers: Orphanet 140162, MedGen C0027672, MeSH D009386, MONDO:0015356.

Allele frequency attached by ClinVar (database versions not stated): ExAC 0.00001; gnomAD exomes 0.00002; TOPMed below 0.00001.

Submissions (7):

Labcorp Genetics (formerly Invitae), Labcorp
Classification: Uncertain significance for Familial adenomatous polyposis 2. Last evaluated: 2026-01-26. Review status: criteria provided, single submitter. Criteria: Invitae Variant Classification Sherloc (09022015). Collection method: clinical testing. Allele origin: germline.
Comment: This sequence change replaces glycine, which is neutral and non-polar, with arginine, which is basic and polar, at codon 321 of the MUTYH protein (p.Gly321Arg). This variant is present in population databases (rs765686051, gnomAD 0.02%). This variant has not been reported in the literature in individuals affected with MUTYH-related conditions. ClinVar contains an entry for this variant (Variation ID: 230146). An algorithm developed to predict the effect of missense changes on protein structure and function outputs the following: PolyPhen-2: "Benign". The arginine amino acid residue is found in multiple mammalian species, which suggests that this missense change does not adversely affect protein function. In summary, the available evidence is currently insufficient to determine the role of this variant in disease. Therefore, it has been classified as a Variant of Uncertain Significance.

Color Diagnostics, LLC DBA Color Health
Classification: Uncertain significance for Hereditary cancer-predisposing syndrome. Last evaluated: 2025-08-14. Review status: criteria provided, single submitter. Criteria: ACMG Guidelines, 2015. Collection method: clinical testing. Allele origin: germline.
Comment: This missense variant replaces glycine with arginine at codon 321 of the MUTYH protein. Computational prediction suggests that this variant may not impact protein structure and function. To our knowledge, functional studies have not been reported for this variant. This variant has not been reported in individuals affected with hereditary cancer in the literature. This variant has been identified in 4/251462 chromosomes in the general population by the Genome Aggregation Database (gnomAD). The available evidence is insufficient to determine the role of this variant in disease conclusively. Therefore, this variant is classified as a Variant of Uncertain Significance.

Fulgent Genetics
Classification: Uncertain significance for Familial adenomatous polyposis 2; Gastric cancer. Last evaluated: 2024-03-17. Review status: criteria provided, single submitter. Criteria: ACMG Guidelines, 2015. Collection method: clinical testing. Allele origin: germline.

All of Us Research Program, National Institutes of Health
Classification: Uncertain significance for Familial adenomatous polyposis 2. Last evaluated: 2023-09-17. Review status: criteria provided, single submitter. Criteria: ACMG Guidelines, 2015. Collection method: clinical testing. Allele origin: germline. Inheritance: Autosomal recessive inheritance. Observed: 2 variant alleles, 2 heterozygotes.
Comment: This missense variant replaces glycine with arginine at codon 321 of the MUTYH protein. Computational prediction suggests that this variant may not impact protein structure and function (internally defined REVEL score threshold <= 0.5, PMID: 27666373). To our knowledge, functional studies have not been reported for this variant. This variant has not been reported in individuals affected with hereditary cancer in the literature. This variant has been identified in 4/251462 chromosomes in the general population by the Genome Aggregation Database (gnomAD). The available evidence is insufficient to determine the role of this variant in disease conclusively. Therefore, this variant is classified as a Variant of Uncertain Significance.

This study involves interpretation of variants in research participants for the purpose of population health screening. Participant phenotype was not available at the time of variant classification. Additional details can be found in publication PMID: 35346344, PMCID: PMC8962531

Quest Diagnostics Nichols Institute San Juan Capistrano
Classification: Uncertain significance. Last evaluated: 2023-06-08. Review status: criteria provided, single submitter. Criteria: Quest Diagnostics criteria. Collection method: clinical testing. Allele origin: unknown.
Comment: This variant has not been reported in the published literature. The frequency of this variant in the general population, 0.00016 (3/18392 chromosomes (Genome Aggregation Database)), is uninformative in the assessment of its pathogenicity. Analysis of this variant using bioinformatics tools for the prediction of the effect of amino acid changes on protein structure and function yielded predictions that this variant is benign. Based on the available information, we are unable to determine the clinical significance of this variant.

GeneDx
Classification: Uncertain significance. Last evaluated: 2021-12-14. Review status: criteria provided, single submitter. Criteria: GeneDx Variant Classification Process June 2021. Collection method: clinical testing. Allele origin: germline. Affected: yes.
Comment: Not observed at a significant frequency in large population cohorts (Lek 2016); In silico analysis, which includes protein predictors and evolutionary conservation, supports that this variant does not alter protein structure/function; Has not been previously published as pathogenic or benign to our knowledge; This variant is associated with the following publications: (PMID: 16879101, 20816984)

Ambry Genetics
Classification: Likely benign for Hereditary cancer-predisposing syndrome. Last evaluated: 2018-09-27. Review status: criteria provided, single submitter. Criteria: Ambry Variant Classification Scheme 2023. Collection method: clinical testing. Allele origin: germline.

NM_001048174.2(MUTYH):c.877G>A (p.Gly293Arg)

Gene: MUTYH (mutY DNA glycosylase; minus strand). Cytogenetic location: 1p34.1.
Variant type: single nucleotide variant.
Coding change: c.877G>A on transcript NM_001048174.2 (MANE Select); coding-DNA position 877, G replaced by A.
Protein change: p.Gly293Arg; replaces glycine 293 with arginine.
Molecular consequence: missense variant. On other transcripts: non-coding transcript variant (2).
Genome position (GRCh38, 1-based): chr1:45,332,059, C>T on the plus strand (G>A on the coding strand, the complement: MUTYH is on the minus strand). VCF-style: chr1-45332059-C-T. GRCh37 (hg19) VCF-style: chr1-45797731-C-T.
Other names: c.877G>A, p.Gly293Arg (NM_001048171.2, NM_001048173.2, NM_001293195.2); c.880G>A, p.Gly294Arg (NM_001048172.2); c.961G>A, p.Gly321Arg (NM_001128425.2); c.922G>A, p.Gly308Arg (NM_001293190.2); c.910G>A, p.Gly304Arg (NM_001293191.2); c.601G>A, p.Gly201Arg (NM_001293192.2, NM_001293196.2); c.532G>A, p.Gly178Arg (NM_001350650.2, NM_001350651.2); c.952G>A, p.Gly318Arg (NM_012222.3); short protein forms G321R, G294R, G308R, G318R, G201R, G178R, G293R, G304R.
Identifiers: ClinVar variation 230146 (VCV000230146.25), dbSNP rs765686051, ClinGen allele CA059784.